The following is an entry in ClinVar:

ClinVar aggregate classification (germline): Uncertain significance (1 of 4 stars; one submission).

Allele frequency attached by ClinVar (database versions not stated): gnomAD exomes 0.00004; TOPMed 0.00005; ExAC 0.00015.
gnomAD v4.1: 25 of 1,613,702 alleles (0.0015%); highest among the groups gnomAD compares: Admixed American, 0.04%; 1 homozygote.

Submission:

Labcorp Genetics (formerly Invitae), Labcorp
Classification: Uncertain significance. Last evaluated: 2025-06-18. Review status: criteria provided, single submitter. Criteria: Invitae Variant Classification Sherloc (09022015). Collection method: clinical testing. Allele origin: germline.
Comment: This sequence change replaces phenylalanine, which is neutral and non-polar, with isoleucine, which is neutral and non-polar, at codon 3191 of the PCLO protein (p.Phe3191Ile). This variant is present in population databases (rs554023491, gnomAD 0.06%), including at least one homozygous and/or hemizygous individual. This variant has not been reported in the literature in individuals affected with PCLO-related conditions. ClinVar contains an entry for this variant (Variation ID: 2181333). Experimental studies and prediction algorithms are not available or were not evaluated, and the functional significance of this variant is currently unknown. In summary, the available evidence is currently insufficient to determine the role of this variant in disease. Therefore, it has been classified as a Variant of Uncertain Significance.

NM_033026.6(PCLO):c.9571T>A (p.Phe3191Ile)

Gene: PCLO (piccolo presynaptic cytomatrix protein; minus strand). Cytogenetic location: 7q21.11.
Variant type: single nucleotide variant.
Coding change: c.9571T>A on transcript NM_033026.6 (MANE Select); coding-DNA position 9571, T replaced by A.
Protein change: p.Phe3191Ile; replaces phenylalanine 3191 with isoleucine.
Molecular consequence: missense variant.
Genome position (GRCh38, 1-based): chr7:82,951,017, A>T on the plus strand (T>A on the coding strand, the complement: PCLO is on the minus strand). VCF-style: chr7-82951017-A-T. GRCh37 (hg19) VCF-style: chr7-82580333-A-T.
Other names: c.9571T>A, p.Phe3191Ile (NM_014510.3); short protein forms F3191I.
Identifiers: ClinVar variation 2181333 (VCV002181333.2), dbSNP rs554023491, ClinGen allele CA4319894.